The following is an entry in ClinVar:

ClinVar aggregate classification (germline): Pathogenic. Review status: criteria provided, multiple submitters, no conflicts (2 of 4 stars). 2 submissions from 2 submitters: Pathogenic (2). Last evaluated 2023-05-30.

Conditions:
Hereditary cancer-predisposing syndrome. Also called: Neoplastic Syndromes, Hereditary; Tumor predisposition; Hereditary Cancer Syndrome; Hereditary neoplastic syndrome. Identifiers: Orphanet 140162, MedGen C0027672, MeSH D009386, MONDO:0015356.
Familial cancer of breast. Also called: BREAST CANCER, FAMILIAL; Hereditary breast cancer; hereditary breast carcinoma. Identifiers: Orphanet 227535, MedGen C0346153, MONDO:0016419, OMIM 114480. Disease mechanism: loss of function.

Allele frequency attached by ClinVar (database versions not stated): gnomAD exomes below 0.00001.

Submissions (2):

Myriad Genetics, Inc.
Classification: Pathogenic for Familial cancer of breast. Last evaluated: 2023-05-30. Review status: criteria provided, single submitter. Criteria: Myriad Autosomal Dominant, Autosomal Recessive and X-Linked Classification Criteria (2023). Collection method: clinical testing. Allele origin: unknown.
Comment: This variant is considered pathogenic. This variant creates a termination codon and is predicted to result in premature protein truncation.

Ambry Genetics
Classification: Pathogenic for Hereditary cancer-predisposing syndrome. Last evaluated: 2022-06-15. Review status: criteria provided, single submitter. Criteria: Ambry Variant Classification Scheme 2023. Collection method: clinical testing. Allele origin: germline.
Comment: The p.Q102* pathogenic mutation (also known as c.304C>T), located in coding exon 3 of the BRIP1 gene, results from a C to T substitution at nucleotide position 304. This changes the amino acid from a glutamine to a stop codon within coding exon 3. This variant is considered to be rare based on population cohorts in the Genome Aggregation Database (gnomAD). This alteration is expected to result in loss of function by premature protein truncation or nonsense-mediated mRNA decay. As such, this alteration is interpreted as a disease-causing mutation.

NM_032043.3(BRIP1):c.304C>T (p.Gln102Ter)

Gene: BRIP1 (BRCA1 interacting DNA helicase 1; minus strand). Cytogenetic location: 17q23.2.
Variant type: single nucleotide variant.
Coding change: c.304C>T on transcript NM_032043.3 (MANE Select); coding-DNA position 304, C replaced by T.
Protein change: p.Gln102Ter; replaces glutamine 102 with a stop codon.
Molecular consequence: nonsense.
Genome position (GRCh38, 1-based): chr17:61,857,133, G>A on the plus strand (C>T on the coding strand, the complement: BRIP1 is on the minus strand). VCF-style: chr17-61857133-G-A. GRCh37 (hg19) VCF-style: chr17-59934494-G-A.
Other names: short protein forms Q102*.
Identifiers: ClinVar variation 1799244 (VCV001799244.4), dbSNP rs2145828435, ClinGen allele CA400485409.
Genomic context (GRCh38, chr17:61,857,133, plus strand): 5'-AAGTGCCATTTCTTTCAGAAGGTGGTGTGCTTGGATAGTTGAAATGACGTGAAGTTCCTT[G>A]GTTCATGTCATTGTTTGTAAAATCCTTTGAATGGCATGCACAACAACATGACAATTGTAC-3'